The following is an entry in ClinVar:

ClinVar aggregate classification (germline): Uncertain significance (1 of 4 stars; one submission).

Submission:

Labcorp Genetics (formerly Invitae), Labcorp
Classification: Uncertain significance. Last evaluated: 2022-11-07. Review status: criteria provided, single submitter. Criteria: Invitae Variant Classification Sherloc (09022015). Collection method: clinical testing. Allele origin: germline.
Comment: In summary, the available evidence is currently insufficient to determine the role of this variant in disease. Therefore, it has been classified as a Variant of Uncertain Significance. Advanced modeling of protein sequence and biophysical properties (such as structural, functional, and spatial information, amino acid conservation, physicochemical variation, residue mobility, and thermodynamic stability) performed at Invitae indicates that this missense variant is expected to disrupt CNGA3 protein function. ClinVar contains an entry for this variant (Variation ID: 1431809). This variant has not been reported in the literature in individuals affected with CNGA3-related conditions. This variant is not present in population databases (gnomAD no frequency). This sequence change replaces alanine, which is neutral and non-polar, with threonine, which is neutral and polar, at codon 488 of the CNGA3 protein (p.Ala488Thr).

NM_001298.3(CNGA3):c.1462G>A (p.Ala488Thr)

Gene: CNGA3 (cyclic nucleotide gated channel subunit alpha 3; plus strand). Cytogenetic location: 2q11.2.
Variant type: single nucleotide variant.
Coding change: c.1462G>A on transcript NM_001298.3 (MANE Select); coding-DNA position 1462, G replaced by A.
Protein change: p.Ala488Thr; replaces alanine 488 with threonine.
Molecular consequence: missense variant.
Genome position (GRCh38, 1-based): chr2:98,396,632, G>A. VCF-style: chr2-98396632-G-A. GRCh37 (hg19) VCF-style: chr2-99013095-G-A.
Other names: c.1408G>A, p.Ala470Thr (NM_001079878.2); short protein forms A470T, A488T.
Identifiers: ClinVar variation 1431809 (VCV001431809.4), dbSNP rs1013072215, ClinGen allele CA52635756.